The following is an entry in ClinVar:

ClinVar aggregate classification (germline): Conflicting classifications of pathogenicity. Review status: criteria provided, conflicting classifications (1 of 4 stars). 3 submissions from 3 submitters: Uncertain significance (2); Benign (1). Last evaluated 2025-06-23.

Conditions:
Kabuki syndrome 1 (KABUK1). Also called: KMT2D-Related Kabuki Syndrome. Identifiers: Orphanet 2322, MedGen CN030661, MONDO:0007843, OMIM 147920.
Choanal atresia-athelia-hypothyroidism-delayed puberty-short stature syndrome (BCAHH). Also called: BRANCHIAL ARCH ABNORMALITIES, CHOANAL ATRESIA, ATHELIA, HEARING LOSS, AND HYPOTHYROIDISM SYNDROME. Identifiers: Orphanet 589856, MedGen C5680310, MONDO:0035651, OMIM 620186.
Kabuki syndrome. Also called: NIIKAWA-KUROKI SYNDROME; Kabuki make-up syndrome. Identifiers: Orphanet 2322, MedGen C0796004, MONDO:0016512.

Allele frequency attached by ClinVar (database versions not stated): gnomAD exomes below 0.00001 and 0.00001; ExAC 0.00001; gnomAD 0.00001; TOPMed 0.00001.
gnomAD v4.1: 5 of 1,612,706 alleles (0.00031%); highest among the groups gnomAD compares: Admixed American, 0.005%; no homozygotes.

Submissions (3):

Labcorp Genetics (formerly Invitae), Labcorp
Classification: Benign for Kabuki syndrome. Last evaluated: 2025-06-23. Review status: criteria provided, single submitter. Criteria: Invitae Variant Classification Sherloc (09022015). Collection method: clinical testing. Allele origin: germline.

Fulgent Genetics
Classification: Uncertain significance for Kabuki syndrome 1; Choanal atresia-athelia-hypothyroidism-delayed puberty-short stature syndrome. Last evaluated: 2024-01-30. Review status: criteria provided, single submitter. Criteria: ACMG Guidelines, 2015. Collection method: clinical testing. Allele origin: germline.

GeneDx
Classification: Uncertain significance. Last evaluated: 2020-04-02. Review status: criteria provided, single submitter. Criteria: GeneDx Variant Classification Process June 2021. Collection method: clinical testing. Allele origin: germline. Affected: yes.
Comment: In silico analysis supports that this missense variant does not alter protein structure/function; Has not been previously published as pathogenic or benign to our knowledge

NM_003482.4(KMT2D):c.7205C>T (p.Ser2402Leu)

Gene: KMT2D (lysine methyltransferase 2D; minus strand). Cytogenetic location: 12q13.12.
Variant type: single nucleotide variant.
Coding change: c.7205C>T on transcript NM_003482.4 (MANE Select); coding-DNA position 7205, C replaced by T.
Protein change: p.Ser2402Leu; replaces serine 2402 with leucine.
Molecular consequence: missense variant.
Genome position (GRCh38, 1-based): chr12:49,040,565, G>A on the plus strand (C>T on the coding strand, the complement: KMT2D is on the minus strand). VCF-style: chr12-49040565-G-A. GRCh37 (hg19) VCF-style: chr12-49434348-G-A.
Other names: short protein forms S2402L.
Identifiers: ClinVar variation 1304230 (VCV001304230.6), dbSNP rs750003992, ClinGen allele CA6547104.